The following is an entry in ClinVar:

NM_004187.5(KDM5C):c.1117A>G (p.Met373Val)

Gene: KDM5C (lysine demethylase 5C; minus strand). Cytogenetic location: Xp11.22.
Variant type: single nucleotide variant.
Coding change: c.1117A>G on transcript NM_004187.5 (MANE Select); coding-DNA position 1117, A replaced by G.
Protein change: p.Met373Val; replaces methionine 373 with valine.
Molecular consequence: missense variant. On other transcripts: non-coding transcript variant (3).
Genome position (GRCh38, 1-based): chrX:53,214,694, T>C on the plus strand (A>G on the coding strand, the complement: KDM5C is on the minus strand). VCF-style: chrX-53214694-T-C. GRCh37 (hg19) VCF-style: chrX-53243876-T-C.
Other names: c.916A>G, p.Met306Val (NM_001146702.2); c.1114A>G, p.Met372Val (NM_001282622.3, NM_001353979.2, NM_001353982.2); c.1117A>G, p.Met373Val (NM_001353978.3, NM_001353981.2, NM_001353984.2); short protein forms M306V, M372V, M373V.
Identifiers: ClinVar variation 2802591 (VCV002802591.3), dbSNP rs146904668, ClinGen allele CA329173417.
Genomic context (GRCh38, chrX:53,214,694, plus strand): 5'-GATGAAGGAAGGCAAGGAAGCCCTATGAGGCAGATGTGGAGTGGGGAGGCCTTACCGCCA[T>C]GACACACTTTGGGCACCGCCAGACACCCTTGGGGATCTCAGGCAGAGGAGGCAGCAGGCA-3'
Protein context (NP_004178.2, residues 363-383): KGVWRCPKCV[Met373Val]AECKRPPEAF

ClinVar aggregate classification (germline): Uncertain significance (1 of 4 stars; one submission).

Conditions:
Spastic paraplegia. Identifiers: MedGen C0037772, HP:0001258.

Allele frequency attached by ClinVar (database versions not stated): gnomAD exomes below 0.00001; TOPMed 0.00001; ESP Exome Variant Server 0.00009.
gnomAD v4.1: 1 of 1,208,309 alleles (0.000083%); highest among the groups gnomAD compares: Non-Finnish European, 0.00011%; no homozygotes.

Submission:

Labcorp Genetics (formerly Invitae), Labcorp
Classification: Uncertain significance for Spastic paraplegia. Last evaluated: 2023-10-20. Review status: criteria provided, single submitter. Criteria: Invitae Variant Classification Sherloc (09022015). Collection method: clinical testing. Allele origin: germline.
Comment: This sequence change replaces methionine, which is neutral and non-polar, with valine, which is neutral and non-polar, at codon 373 of the KDM5C protein (p.Met373Val). This variant is not present in population databases (gnomAD no frequency). This variant has not been reported in the literature in individuals affected with KDM5C-related conditions. Advanced modeling of protein sequence and biophysical properties (such as structural, functional, and spatial information, amino acid conservation, physicochemical variation, residue mobility, and thermodynamic stability) performed at Invitae indicates that this missense variant is not expected to disrupt KDM5C protein function. In summary, the available evidence is currently insufficient to determine the role of this variant in disease. Therefore, it has been classified as a Variant of Uncertain Significance.